The following is an entry in ClinVar:

NM_001042517.2(DIAPH3):c.1425G>A (p.Met475Ile)

Gene: DIAPH3 (diaphanous related formin 3; minus strand). Cytogenetic location: 13q21.2.
Variant type: single nucleotide variant.
Coding change: c.1425G>A on transcript NM_001042517.2 (MANE Select); coding-DNA position 1425, G replaced by A.
Protein change: p.Met475Ile; replaces methionine 475 with isoleucine.
Molecular consequence: missense variant.
Genome position (GRCh38, 1-based): chr13:59,983,824, C>T on the plus strand (G>A on the coding strand, the complement: DIAPH3 is on the minus strand). VCF-style: chr13-59983824-C-T. GRCh37 (hg19) VCF-style: chr13-60557958-C-T.
Other names: c.1392G>A, p.Met464Ile (NM_001258366.2); c.1287G>A, p.Met429Ile (NM_001258367.2); c.1215G>A, p.Met405Ile (NM_001258368.2); c.1425G>A, p.Met475Ile (NM_001258369.2); c.636G>A, p.Met212Ile (NM_001258370.2, NM_030932.4); short protein forms M212I, M405I, M429I, M464I, M475I.
Identifiers: ClinVar variation 2417696 (VCV002417696.6), dbSNP rs752539574, ClinGen allele CA6996700.

ClinVar aggregate classification (germline): Uncertain significance (1 of 4 stars; one submission).

Allele frequency attached by ClinVar (database versions not stated): gnomAD 0.00001.
gnomAD v4.1: 13 of 1,610,146 alleles (0.00081%); highest among the groups gnomAD compares: East Asian, 0.018%; no homozygotes.

Submission:

Labcorp Genetics (formerly Invitae), Labcorp
Classification: Uncertain significance. Last evaluated: 2025-03-07. Review status: criteria provided, single submitter. Criteria: Invitae Variant Classification Sherloc (09022015). Collection method: clinical testing. Allele origin: germline.
Comment: This sequence change replaces methionine, which is neutral and non-polar, with isoleucine, which is neutral and non-polar, at codon 475 of the DIAPH3 protein (p.Met475Ile). This variant is present in population databases (rs752539574, gnomAD 0.06%), and has an allele count higher than expected for a pathogenic variant. This variant has not been reported in the literature in individuals affected with DIAPH3-related conditions. ClinVar contains an entry for this variant (Variation ID: 2417696). An algorithm developed to predict the effect of missense changes on protein structure and function outputs the following: PolyPhen-2: "Benign". The isoleucine amino acid residue is found in multiple mammalian species, which suggests that this missense change does not adversely affect protein function. In summary, the available evidence is currently insufficient to determine the role of this variant in disease. Therefore, it has been classified as a Variant of Uncertain Significance.